The following is an entry in ClinVar:

ClinVar aggregate classification (germline): Pathogenic. Review status: criteria provided, multiple submitters, no conflicts (2 of 4 stars). 4 submissions from 4 submitters: Pathogenic (3). 1 of the submissions does not count toward it. Last evaluated 2024-09-13.

Conditions:
Hereditary cancer-predisposing syndrome. Also called: Neoplastic Syndromes, Hereditary; Hereditary neoplastic syndrome; Tumor predisposition; Hereditary Cancer Syndrome. Identifiers: Orphanet 140162, MedGen C0027672, MeSH D009386, MONDO:0015356.
Ataxia-telangiectasia syndrome (AT). Also called: Ataxia telangiectasia (A-T); Cerebello-oculocutaneous telangiectasia; Immunodeficiency with ataxia telangiectasia; LOUIS-BAR SYNDROME; AT, COMPLEMENTATION GROUP C; ATAXIA-TELANGIECTASIA, FRESNO VARIANT. Identifiers: Orphanet 100, MedGen C0004135, MONDO:0008840, OMIM 208900.

Allele frequency attached by ClinVar (database versions not stated): gnomAD exomes below 0.00001; TOPMed below 0.00001.

Submissions (4):

Ambry Genetics
Classification: Pathogenic for Hereditary cancer-predisposing syndrome. Last evaluated: 2024-09-13. Review status: criteria provided, single submitter. Criteria: Ambry Variant Classification Scheme 2023. Collection method: clinical testing. Allele origin: germline.
Comment: The c.6850delG pathogenic mutation, located in coding exon 46 of the ATM gene, results from a deletion of one nucleotide at nucleotide position 6850, causing a translational frameshift with a predicted alternate stop codon (p.V2284Lfs*26). This alteration is expected to result in loss of function by premature protein truncation or nonsense-mediated mRNA decay. As such, this alteration is interpreted as a disease-causing mutation.

Color Diagnostics, LLC DBA Color Health
Classification: Pathogenic for Hereditary cancer-predisposing syndrome. Last evaluated: 2020-01-15. Review status: criteria provided, single submitter. Criteria: ACMG Guidelines, 2015. Collection method: clinical testing. Allele origin: germline.
Comment: This variant deletes 1 nucleotide in exon 47 of the ATM gene, creating a frameshift and premature translation stop signal. This variant is expected to result in an absent or non-functional protein product. This variant has not been identified in the general population by the Genome Aggregation Database (gnomAD). Loss of ATM function is a known mechanism of disease. Based on the available evidence, this variant is classified as Pathogenic.

Labcorp Genetics (formerly Invitae), Labcorp
Classification: Pathogenic for Ataxia-telangiectasia syndrome. Last evaluated: 2017-10-31. Review status: criteria provided, single submitter. Criteria: Invitae Variant Classification Sherloc (09022015). Collection method: clinical testing. Allele origin: germline.
Comment: For these reasons, this variant has been classified as Pathogenic. Loss-of-function variants in ATM are known to be pathogenic (PMID: 23807571, 25614872). This variant has not been reported in the literature in individuals with ATM-related disease. ClinVar contains an entry for this variant (Variation ID: 232123). This variant is not present in population databases (ExAC no frequency). This sequence change creates a premature translational stop signal (p.Val2284Leufs*26) in the ATM gene. It is expected to result in an absent or disrupted protein product.

Counsyl
Classification: Likely pathogenic for Ataxia-telangiectasia syndrome. Last evaluated: 2017-11-16. Review status: no assertion criteria provided. Collection method: clinical testing. Allele origin: unknown. Not counted in ClinVar's aggregate classification.

Literature cited by the submitters: PubMed 23807571 (cited by Labcorp Genetics (formerly Invitae), Labcorp); PubMed 25614872 (cited by Labcorp Genetics (formerly Invitae), Labcorp).

NM_000051.4(ATM):c.6850del (p.Val2284fs)

Genes: C11orf65 (chromosome 11 open reading frame 65; minus strand), ATM (ATM serine/threonine kinase; plus strand). Cytogenetic location: 11q22.3.
Variant type: Deletion.
Coding change: c.6850del on transcript NM_000051.4 (MANE Select); coding-DNA position 6850, one base deleted (G; older notation c.6850delG).
Protein change: p.Val2284fs; shifts the reading frame from valine 2284.
Molecular consequence: frameshift variant. On other transcripts: intron variant (2).
Genome position (GRCh38, 1-based): chr11:108,326,100, G deleted. VCF-style (leftmost placement, unchanged base first): chr11-108326099-AG-A. GRCh37 (hg19) VCF-style: chr11-108196826-AG-A.
Other names: c.6850delG, p.Val2284Leufs (NM_000051.3); c.6850del, p.Val2284fs (NM_001351834.2); c.641-17029del (NM_001330368.2); c.*38+9120del (NM_001351110.2); short protein forms V2284fs.
Identifiers: ClinVar variation 232123 (VCV000232123.18), dbSNP rs876659569, ClinGen allele CA10579238.